The following is an entry in ClinVar:

NM_001347721.2(DYRK1A):c.1357dup (p.Tyr453fs)

Gene: DYRK1A (dual specificity tyrosine phosphorylation regulated kinase 1A; plus strand). Cytogenetic location: 21q22.13.
Variant type: Duplication.
Coding change: c.1357dup on transcript NM_001347721.2 (MANE Select); coding-DNA position 1357, one base duplicated (T; older notation c.1357dupT).
Protein change: p.Tyr453fs; shifts the reading frame from tyrosine 453.
Molecular consequence: frameshift variant.
Genome position (GRCh38, 1-based): chr21:37,505,427, T duplicated; the last of 2 consecutive T bases (chr21:37,505,426-37,505,427); duplicating either gives the same sequence. VCF-style (leftmost placement, unchanged base first): chr21-37505425-A-AT. GRCh37 (hg19) VCF-style: chr21-38877728-A-AT.
Other names: c.1357dup, p.Tyr453fs (NM_001347722.2, NM_130436.2); c.1270dup, p.Tyr424fs (NM_001347723.2); c.1384dup, p.Tyr462fs (NM_001396.5, NM_101395.2, NM_130438.2); short protein forms Y424fs, Y453fs, Y462fs.
Identifiers: ClinVar variation 429904 (VCV000429904.2), dbSNP rs1131691661, ClinGen allele CA645369793.
Genomic context (GRCh38, chr21:37,505,425, plus strand): 5'-AGTCAGGTCATACGGTCGCTGACTACTTGAAGTTCAAAGACCTCATTTTAAGGATGCTTG[A>AT]TTATGACCCCAAAACTCGAATTCAACCTTATTATGCTCTGCAGCACAGTTTCTTCAAGAA-3'

ClinVar aggregate classification (germline): Pathogenic (1 of 4 stars; one submission).

Submission:

GeneDx
Classification: Pathogenic. Last evaluated: 2015-10-29. Review status: criteria provided, single submitter. Criteria: GeneDx Variant Classification (06012015). Collection method: clinical testing. Allele origin: germline. Affected: yes.
Comment: The c.1384dupT duplication in the DYRK1A gene has not been reported previously as a pathogenic variantnor as a benign variant, to our knowledge. The c.1384dupT variant causes a frameshift starting with codon Tyrosine462, changes this amino acid to a Leucine residue, and creates a premature Stop codon at position 2 of the newreading frame, denoted p.Tyr462LeufsX2. This variant is predicted to cause loss of normal protein function eitherthrough protein truncation or nonsense-mediated mRNA decay. The c.1384dupT variant was not observed inapproximately 6,500 individuals of European and African American ancestry in the NHLBI Exome SequencingProject, indicating it is not a common benign variant in these populations. We interpret c.1384dupT as a pathogenicvariant.